The following is an entry in ClinVar:

NM_004787.4(SLIT2):c.4475G>A (p.Cys1492Tyr)

Gene: SLIT2 (slit guidance ligand 2; plus strand). Cytogenetic location: 4p15.31.
Variant type: single nucleotide variant.
Coding change: c.4475G>A on transcript NM_004787.4 (MANE Select); coding-DNA position 4475, G replaced by A.
Protein change: p.Cys1492Tyr; replaces cysteine 1492 with tyrosine.
Molecular consequence: missense variant.
Genome position (GRCh38, 1-based): chr4:20,618,894, G>A. VCF-style: chr4-20618894-G-A. GRCh37 (hg19) VCF-style: chr4-20620517-G-A.
Other names: c.4463G>A, p.Cys1488Tyr (NM_001289135.3); c.4451G>A, p.Cys1484Tyr (NM_001289136.3); short protein forms C1484Y, C1488Y, C1492Y.
Identifiers: ClinVar variation 1801212 (VCV001801212.1), dbSNP rs2546694124, ClinGen allele CA356463470.
Genomic context (GRCh38, chr4:20,618,894, plus strand): 5'-AAACAACCAAGAAGGTGTCCCGATTAGAGTGCAGAGGTGGGTGTGCAGGAGGGCAGTGCT[G>A]TGGACCGCTGAGGAGCAAGCGGCGGAAATACTCTTTCGAATGCACTGACGGCTCCTCCTT-3'
Protein context (NP_004778.1, residues 1482-1502): CRGGCAGGQC[Cys1492Tyr]GPLRSKRRKY

ClinVar aggregate classification (germline): Uncertain significance (1 of 4 stars; one submission).

Submission:

GeneDx
Classification: Uncertain significance. Last evaluated: 2022-05-24. Review status: criteria provided, single submitter. Criteria: GeneDx Variant Classification Process June 2021. Collection method: clinical testing. Allele origin: germline. Affected: yes.
Comment: Not observed at significant frequency in large population cohorts (gnomAD); In silico analysis supports that this missense variant has a deleterious effect on protein structure/function; Has not been previously published as pathogenic or benign to our knowledge